The following is an entry in ClinVar:

ClinVar aggregate classification (germline): Likely benign. Review status: criteria provided, multiple submitters, no conflicts (2 of 4 stars). 2 submissions from 2 submitters: Likely benign (2). Last evaluated 2025-10-28.

Conditions:
Duchenne muscular dystrophy (DMD). Also called: MUSCULAR DYSTROPHY, PSEUDOHYPERTROPHIC PROGRESSIVE, DUCHENNE TYPE; Duchenne Muscular Dystrophy (DMD). Identifiers: Orphanet 98896, MedGen C0013264, MONDO:0010679, OMIM 310200.

Allele frequency attached by ClinVar (database versions not stated): gnomAD exomes below 0.00001; TOPMed 0.00002.
gnomAD v4.1: 2 of 1,211,074 alleles (0.00017%); highest among the groups gnomAD compares: Admixed American, 0.0022%; no homozygotes.

Submissions (2):

Labcorp Genetics (formerly Invitae), Labcorp
Classification: Likely benign for Duchenne muscular dystrophy. Last evaluated: 2025-10-28. Review status: criteria provided, single submitter. Criteria: Invitae Variant Classification Sherloc (09022015). Collection method: clinical testing. Allele origin: germline.

GeneDx
Classification: Likely benign. Last evaluated: 2018-06-20. Review status: criteria provided, single submitter. Criteria: GeneDx Variant Classification (06012015). Collection method: clinical testing. Allele origin: germline. Affected: yes.
Comment: This variant is considered likely benign or benign based on one or more of the following criteria: it is a conservative change, it occurs at a poorly conserved position in the protein, it is predicted to be benign by multiple in silico algorithms, and/or has population frequency not consistent with disease.

NM_004006.3(DMD):c.8136C>T (p.Ala2712=)

Gene: DMD (dystrophin; minus strand). Cytogenetic location: Xp21.1.
Variant type: single nucleotide variant.
Coding change: c.8136C>T on transcript NM_004006.3 (MANE Select); coding-DNA position 8136, C replaced by T.
Protein change: p.Ala2712=; no amino-acid change (alanine 2712 retained).
Molecular consequence: synonymous variant.
Genome position (GRCh38, 1-based): chrX:31,627,754, G>A on the plus strand (C>T on the coding strand, the complement: DMD is on the minus strand). VCF-style: chrX-31627754-G-A. GRCh37 (hg19) VCF-style: chrX-31645871-G-A.
Other names: c.8112C>T, p.Ala2704= (NM_000109.4); c.8124C>T, p.Ala2708= (NM_004009.3); c.7767C>T, p.Ala2589= (NM_004010.3); c.4113C>T, p.Ala1371= (NM_004011.4); c.4104C>T, p.Ala1368= (NM_004012.4); c.756C>T, p.Ala252= (NM_004013.3, NM_004020.4, NM_004021.3 and 2 more transcripts).
Identifiers: ClinVar variation 671370 (VCV000671370.9), dbSNP rs1603430183, ClinGen allele CA515858899.